The following is an entry in ClinVar:

NM_003660.4(PPFIA3):c.842A>G (p.Glu281Gly)

Gene: PPFIA3 (PPFI scaffold protein A3; plus strand). Cytogenetic location: 19q13.33.
Variant type: single nucleotide variant.
Coding change: c.842A>G on transcript NM_003660.4 (MANE Select); coding-DNA position 842, A replaced by G.
Protein change: p.Glu281Gly; replaces glutamic acid 281 with glycine.
Molecular consequence: missense variant. On other transcripts: non-coding transcript variant (1).
Genome position (GRCh38, 1-based): chr19:49,130,562, A>G. VCF-style: chr19-49130562-A-G. GRCh37 (hg19) VCF-style: chr19-49633819-A-G.
Other names: short protein forms E281G.
Identifiers: ClinVar variation 5008279 (VCV005008279.1).

ClinVar aggregate classification (germline): Uncertain significance (1 of 4 stars; one submission).

Submission:

GeneDx
Classification: Uncertain significance. Last evaluated: 2026-02-12. Review status: criteria provided, single submitter. Criteria: GeneDx Variant Classification Process June 2021. Collection method: clinical testing. Allele origin: germline.
Comment: Not observed at significant frequency in large population cohorts (gnomAD); In silico analysis supports that this missense variant has a deleterious effect on protein structure/function; Has not been previously published as pathogenic or benign to our knowledge